The following is an entry in ClinVar:

ClinVar aggregate classification (germline): Benign/Likely benign. Review status: criteria provided, multiple submitters, no conflicts (2 of 4 stars). 3 submissions from 3 submitters: Benign (1); Likely benign (1). 1 of the submissions does not count toward it. Last evaluated 2025-08-30.

Conditions:
Neonatal-onset encephalopathy with rigidity and seizures. Also called: Lethal neonatal spasticity-epileptic encephalopathy syndrome. Identifiers: Orphanet 435845, MedGen C3281029, MONDO:0013784, OMIM 614498.
BRAT1-related disorder. Also called: BRAT1-related disorders; BRAT1-related condition.

Allele frequency attached by ClinVar (database versions not stated): gnomAD 0.00006 and 0.00010; TOPMed 0.00006; gnomAD exomes 0.00007 and 0.00017; ExAC 0.00015; 1000 Genomes Project 30x 0.00047; 1000 Genomes Project 0.00060.
gnomAD v4.1: 111 of 1,612,272 alleles (0.0069%); highest among the groups gnomAD compares: East Asian, 0.24%; no homozygotes.

Submissions (3):

Labcorp Genetics (formerly Invitae), Labcorp
Classification: Benign for Neonatal-onset encephalopathy with rigidity and seizures. Last evaluated: 2025-08-30. Review status: criteria provided, single submitter. Criteria: Invitae Variant Classification Sherloc (09022015). Collection method: clinical testing. Allele origin: germline.

Blueprint Genetics
Classification: Likely benign. Last evaluated: 2024-08-11. Review status: criteria provided, single submitter. Criteria: ACMG Guidelines, 2015. Collection method: clinical testing. Allele origin: germline.

PreventionGenetics, part of Exact Sciences
Classification: Likely benign for BRAT1-related condition. Last evaluated: 2019-04-01. Review status: no assertion criteria provided. Collection method: clinical testing. Allele origin: germline. Not counted in ClinVar's aggregate classification.
Comment: This variant is classified as likely benign based on ACMG/AMP sequence variant interpretation guidelines (Richards et al. 2015 PMID: 25741868, with internal and published modifications).

NM_152743.4(BRAT1):c.2250C>T (p.Ala750=)

Gene: BRAT1 (BRCA1 associated ATM activator 1; minus strand). Cytogenetic location: 7p22.3.
Variant type: single nucleotide variant.
Coding change: c.2250C>T on transcript NM_152743.4 (MANE Select); coding-DNA position 2250, C replaced by T.
Protein change: p.Ala750=; no amino-acid change (alanine 750 retained).
Molecular consequence: synonymous variant. On other transcripts: non-coding transcript variant (1).
Genome position (GRCh38, 1-based): chr7:2,538,285, G>A on the plus strand (C>T on the coding strand, the complement: BRAT1 is on the minus strand). VCF-style: chr7-2538285-G-A. GRCh37 (hg19) VCF-style: chr7-2577919-G-A.
Other names: c.2430C>T, p.Ala810= (NM_001350626.2); c.1725C>T, p.Ala575= (NM_001350627.2).
Identifiers: ClinVar variation 763897 (VCV000763897.14), dbSNP rs543555790, ClinGen allele CA4127418.